The following is an entry in ClinVar:

NM_181303.2(NLGN3):c.2376C>T (p.Tyr792=)

Gene: NLGN3 (neuroligin 3; plus strand). Cytogenetic location: Xq13.1.
Variant type: single nucleotide variant.
Coding change: c.2376C>T on transcript NM_181303.2 (MANE Select); coding-DNA position 2376, C replaced by T.
Protein change: p.Tyr792=; no amino-acid change (tyrosine 792 retained).
Molecular consequence: synonymous variant.
Genome position (GRCh38, 1-based): chrX:71,169,926, C>T. VCF-style: chrX-71169926-C-T. GRCh37 (hg19) VCF-style: chrX-70389776-C-T.
Other names: c.2256C>T, p.Tyr752= (NM_001166660.2); c.1965C>T, p.Tyr655= (NM_001321276.2, NM_001438298.1); c.2025C>T, p.Tyr675= (NM_001437941.1, NM_001438296.1); c.2316C>T, p.Tyr772= (NM_018977.4).
Identifiers: ClinVar variation 4872329 (VCV004872329.2).
Genomic context (GRCh38, chrX:71,169,926, plus strand): 5'-CCACGAGTGTGAGGCCGGTCCCCCCCATGACACGCTGCGCCTCACTGCATTGCCCGACTA[C>T]ACCCTGACCCTGCGGCGCTCCCCGGATGACATCCCACTCATGACCCCCAACACCATCACT-3'
Protein context (NP_851820.1, residues 782-802): DTLRLTALPD[Tyr792=]TLTLRRSPDD

ClinVar aggregate classification (germline): Likely benign (1 of 4 stars; one submission).

gnomAD v4.1: 3 of 1,200,889 alleles (0.00025%); highest among the groups gnomAD compares: Admixed American, 0.0067%; no homozygotes.

Submission:

CeGaT Center for Human Genetics Tuebingen
Classification: Likely benign. Last evaluated: 2026-06-01. Review status: criteria provided, single submitter. Criteria: CeGaT Center For Human Genetics Tuebingen Variant Classification Criteria Version 2. Collection method: clinical testing. Allele origin: germline. Affected: yes. Observed: 1 variant allele.
Comment: NLGN3: BP4, BP7